The following is an entry in ClinVar:

NM_000059.4(BRCA2):c.7070T>C (p.Leu2357Pro)

Gene: BRCA2 (BRCA2 DNA repair associated; plus strand). Cytogenetic location: 13q13.1.
Variant type: single nucleotide variant.
Coding change: c.7070T>C on transcript NM_000059.4 (MANE Select); coding-DNA position 7070, T replaced by C.
Protein change: p.Leu2357Pro; replaces leucine 2357 with proline.
Molecular consequence: missense variant. On other transcripts: non-coding transcript variant (1).
Genome position (GRCh38, 1-based): chr13:32,354,923, T>C. VCF-style: chr13-32354923-T-C. GRCh37 (hg19) VCF-style: chr13-32929060-T-C.
Other names: c.6974T>C, p.Leu2325Pro (NM_001406719.1); c.7070T>C, p.Leu2357Pro (NM_001406720.1, NM_001432077.1); c.2138T>C, p.Leu713Pro (NM_001406721.1); c.653T>C, p.Leu218Pro (NM_001406722.1); short protein forms L218P, L2325P, L2357P, L713P.
Identifiers: ClinVar variation 4802337 (VCV004802337.1).

ClinVar aggregate classification (germline): Uncertain significance (1 of 4 stars; one submission).

Conditions:
Hereditary breast ovarian cancer syndrome. Also called: Hereditary breast and ovarian cancer syndrome (HBOC); Hereditary breast and ovarian cancer; Breast and ovarian cancer; Hereditary breast and/or ovarian cancer syndrome; BRCA1- and BRCA2-Associated Hereditary Breast and Ovarian Cancer; Hereditary breast and ovarian cancer syndrome. Identifiers: Orphanet 145, MedGen C0677776, MeSH D061325, MONDO:0003582. Disease mechanism: loss of function.

Submission:

Labcorp Genetics (formerly Invitae), Labcorp
Classification: Uncertain significance for Hereditary breast ovarian cancer syndrome. Last evaluated: 2025-02-04. Review status: criteria provided, single submitter. Criteria: Invitae Variant Classification Sherloc (09022015). Collection method: clinical testing. Allele origin: germline.
Comment: This sequence change replaces leucine, which is neutral and non-polar, with proline, which is neutral and non-polar, at codon 2357 of the BRCA2 protein (p.Leu2357Pro). This variant is not present in population databases (gnomAD no frequency). This variant has not been reported in the literature in individuals affected with BRCA2-related conditions. Invitae Evidence Modeling of protein sequence and biophysical properties (such as structural, functional, and spatial information, amino acid conservation, physicochemical variation, residue mobility, and thermodynamic stability) indicates that this missense variant is not expected to disrupt BRCA2 protein function with a negative predictive value of 95%. In summary, the available evidence is currently insufficient to determine the role of this variant in disease. Therefore, it has been classified as a Variant of Uncertain Significance.